The following is an entry in ClinVar:

ClinVar aggregate classification (germline): Pathogenic (1 of 4 stars; one submission).

Conditions:
Neurodevelopmental disorder with or without hyperkinetic movements and seizures, autosomal dominant. Also called: Intellectual disability, autosomal dominant 8. Identifiers: MedGen C3280282, MONDO:0013655, OMIM 614254.

Submission:

Labcorp Genetics (formerly Invitae), Labcorp
Classification: Pathogenic for Neurodevelopmental disorder with or without hyperkinetic movements and seizures, autosomal dominant. Last evaluated: 2025-08-15. Review status: criteria provided, single submitter. Criteria: Invitae Variant Classification Sherloc (09022015). Collection method: clinical testing. Allele origin: germline.
Comment: This sequence change creates a premature translational stop signal (p.Pro319Alafs*23) in the GRIN1 gene. It is expected to result in an absent or disrupted protein product. Loss-of-function variants in GRIN1 are known to be pathogenic (PMID: 27164704, 35393335). This variant is not present in population databases (gnomAD no frequency). This variant has not been reported in the literature in individuals affected with GRIN1-related conditions. For these reasons, this variant has been classified as Pathogenic.

Literature cited by the submitters: PubMed 27164704; PubMed 35393335.

NM_007327.4(GRIN1):c.954_955del (p.Pro319fs)

Gene: GRIN1 (glutamate ionotropic receptor NMDA type subunit 1; plus strand). Cytogenetic location: 9q34.3.
Variant type: Deletion.
Coding change: c.954_955del on transcript NM_007327.4 (MANE Select); coding-DNA positions 954 to 955, 2 bases deleted (GC; older notation c.954_955delGC).
Protein change: p.Pro319fs; shifts the reading frame from proline 319.
Molecular consequence: frameshift variant.
Genome position (GRCh38, 1-based): chr9:137,157,023-137,157,024, GC deleted. VCF-style (leftmost placement, unchanged base first): chr9-137157022-GGC-G. GRCh37 (hg19) VCF-style: chr9-140051474-GGC-G.
Other names: c.954_955del, p.Pro319fs (NM_000832.7, NM_021569.4); c.1017_1018del, p.Pro340fs (NM_001185090.2, NM_001185091.2, NM_001437330.1 and 1 more transcripts); short protein forms P319fs, P340fs.
Identifiers: ClinVar variation 4725491 (VCV004725491.1).
Genomic context (GRCh38, chr9:137,157,022, plus strand): 5'-AGGAGAACATCACCGACCCGCCGCGGGGCTGCGTGGGCAACACCAACATCTGGAAGACCG[GGC>G]CGCTCTTCAAGAGGTGGGCGGGGCCTCCCCGGAGCTGGGCGGGGCTGCTCTTGGGGAGGT-3'